The following is an entry in ClinVar:

NM_000051.4(ATM):c.2871A>G (p.Glu957=)

Gene: ATM (ATM serine/threonine kinase; plus strand). Cytogenetic location: 11q22.3.
Variant type: single nucleotide variant.
Coding change: c.2871A>G on transcript NM_000051.4 (MANE Select); coding-DNA position 2871, A replaced by G.
Protein change: p.Glu957=; no amino-acid change (glutamic acid 957 retained).
Molecular consequence: synonymous variant.
Genome position (GRCh38, 1-based): chr11:108,271,096, A>G. VCF-style: chr11-108271096-A-G. GRCh37 (hg19) VCF-style: chr11-108141823-A-G.
Other names: c.2871A>G, p.Glu957= (NM_001351834.2).
Identifiers: ClinVar variation 215579 (VCV000215579.10), dbSNP rs863224291, ClinGen allele CA339529.

ClinVar aggregate classification (germline): Benign/Likely benign. Review status: criteria provided, multiple submitters, no conflicts (2 of 4 stars). 2 submissions from 2 submitters: Benign (1); Likely benign (1). Last evaluated 2024-08-31.

Conditions:
Familial cancer of breast. Also called: Hereditary breast cancer; BREAST CANCER, FAMILIAL; hereditary breast carcinoma. Identifiers: Orphanet 227535, MedGen C0346153, MONDO:0016419, OMIM 114480. Disease mechanism: loss of function.
Ataxia-telangiectasia syndrome (AT). Also called: Cerebello-oculocutaneous telangiectasia; Immunodeficiency with ataxia telangiectasia; Ataxia telangiectasia (A-T); LOUIS-BAR SYNDROME; ATAXIA-TELANGIECTASIA, COMPLEMENTATION GROUP A; ATAXIA-TELANGIECTASIA, FRESNO VARIANT. Identifiers: Orphanet 100, MedGen C0004135, MONDO:0008840, OMIM 208900.

Allele frequency attached by ClinVar (database versions not stated): gnomAD exomes below 0.00001.
gnomAD v4.1: 3 of 1,614,174 alleles (0.00019%); highest among the groups gnomAD compares: Non-Finnish European, 0.00025%; no homozygotes.

Submissions (2):

Labcorp Genetics (formerly Invitae), Labcorp
Classification: Likely benign for Ataxia-telangiectasia syndrome. Last evaluated: 2024-08-31. Review status: criteria provided, single submitter. Criteria: Invitae Variant Classification Sherloc (09022015). Collection method: clinical testing. Allele origin: germline.

Myriad Genetics, Inc.
Classification: Benign for Familial cancer of breast. Last evaluated: 2024-05-10. Review status: criteria provided, single submitter. Criteria: Myriad Autosomal Dominant, Autosomal Recessive and X-Linked Classification Criteria (2023). Collection method: clinical testing. Allele origin: unknown.
Comment: This variant is considered benign. This variant is a silent/synonymous amino acid change and it is not expected to impact splicing.